The following is an entry in ClinVar:

NM_001040142.2(SCN2A):c.1312G>C (p.Glu438Gln)

Gene: SCN2A (sodium voltage-gated channel alpha subunit 2; plus strand). Cytogenetic location: 2q24.3.
Variant type: single nucleotide variant.
Coding change: c.1312G>C on transcript NM_001040142.2 (MANE Select); coding-DNA position 1312, G replaced by C.
Protein change: p.Glu438Gln; replaces glutamic acid 438 with glutamine.
Molecular consequence: missense variant.
Genome position (GRCh38, 1-based): chr2:165,314,037, G>C. VCF-style: chr2-165314037-G-C. GRCh37 (hg19) VCF-style: chr2-166170547-G-C.
Other names: c.1312G>C, p.Glu438Gln (NM_001040143.2, NM_001371246.1, NM_001371247.1 and 1 more transcripts); short protein forms E438Q.
Identifiers: ClinVar variation 1490380 (VCV001490380.6), dbSNP rs796053184, ClinGen allele CA349022347.

ClinVar aggregate classification (germline): Pathogenic (1 of 4 stars; one submission).

Conditions:
Developmental and epileptic encephalopathy, 11 (DEE11). Also called: Early infantile epileptic encephalopathy 11. Identifiers: Orphanet 1934, MedGen C3150987, MONDO:0013388, OMIM 613721.
Seizures, benign familial infantile, 3 (BFIS3). Also called: CONVULSIONS, BENIGN FAMILIAL INFANTILE, 3; Familial neonatal seizures. Identifiers: Orphanet 140927, Orphanet 306, MedGen C1843140, MONDO:0011904, OMIM 607745.

Submission:

Labcorp Genetics (formerly Invitae), Labcorp
Classification: Pathogenic for Seizures, benign familial infantile, 3; Developmental and epileptic encephalopathy, 11. Last evaluated: 2022-02-11. Review status: criteria provided, single submitter. Criteria: Invitae Variant Classification Sherloc (09022015). Collection method: clinical testing. Allele origin: germline.
Comment: For these reasons, this variant has been classified as Pathogenic. This variant disrupts the p.Glu438 amino acid residue in SCN2A. Other variant(s) that disrupt this residue have been observed in individuals with SCN2A-related conditions (PMID: 27781031; Invitae), which suggests that this may be a clinically significant amino acid residue. Algorithms developed to predict the effect of missense changes on protein structure and function are either unavailable or do not agree on the potential impact of this missense change (SIFT: "Deleterious"; PolyPhen-2: "Probably Damaging"; Align-GVGD: "Class C0"). This missense change has been observed in individual(s) with SCN2A-related conditions (Invitae). In at least one individual the variant was observed to be de novo. This variant is not present in population databases (gnomAD no frequency). This sequence change replaces glutamic acid, which is acidic and polar, with glutamine, which is neutral and polar, at codon 438 of the SCN2A protein (p.Glu438Gln).

Literature cited by the submitters: PubMed 27781031.